The following is an entry in ClinVar:

ClinVar aggregate classification (germline): Uncertain significance (1 of 4 stars; one submission).

Conditions:
GLI2-related disorder. Also called: GLI2-related condition; GLI2-related disorders.

gnomAD v4.1: 4 of 1,610,956 alleles (0.00025%); highest among the groups gnomAD compares: Non-Finnish European, 0.00034%; no homozygotes.

Submission:

PreventionGenetics, part of Exact Sciences
Classification: Uncertain significance for GLI2-related condition. Last evaluated: 2025-06-28. Review status: criteria provided, single submitter. Criteria: ACMG Guidelines, 2015. Collection method: clinical testing. Allele origin: germline.
Comment: The GLI2 c.3154G>A variant is predicted to result in the amino acid substitution p.Asp1052Asn. To our knowledge, this variant has not been reported in the literature or in a large population database (gnomAD), indicating this variant is rare. At this time, the clinical significance of this variant is uncertain due to the absence of conclusive functional and genetic evidence.

NM_001374353.1(GLI2):c.3103G>A (p.Asp1035Asn)

Gene: GLI2 (GLI family zinc finger 2; plus strand). Cytogenetic location: 2q14.2.
Variant type: single nucleotide variant.
Coding change: c.3103G>A on transcript NM_001374353.1 (MANE Select); coding-DNA position 3103, G replaced by A.
Protein change: p.Asp1035Asn; replaces aspartic acid 1035 with asparagine.
Molecular consequence: missense variant.
Genome position (GRCh38, 1-based): chr2:120,989,068, G>A. VCF-style: chr2-120989068-G-A. GRCh37 (hg19) VCF-style: chr2-121746644-G-A.
Other names: c.3154G>A, p.Asp1052Asn (NM_001371271.1, NM_005270.5); c.2728G>A, p.Asp910Asn (NM_001374354.1); short protein forms D1035N, D910N, D1052N.
Identifiers: ClinVar variation 4997545 (VCV004997545.1).